The following is an entry in ClinVar:

NM_000642.3(AGL):c.2465del (p.Gly822fs)

Gene: AGL (amylo-alpha-1,6-glucosidase and 4-alpha-glucanotransferase; plus strand). Cytogenetic location: 1p21.2.
Variant type: Deletion.
Coding change: c.2465del on transcript NM_000642.3 (MANE Select); coding-DNA position 2465, one base deleted (G; older notation c.2465delG).
Protein change: p.Gly822fs; shifts the reading frame from glycine 822.
Molecular consequence: frameshift variant.
Genome position (GRCh38, 1-based): chr1:99,884,370, G deleted; the last of 2 consecutive G bases (chr1:99,884,369-99,884,370); deleting either gives the same sequence. VCF-style (leftmost placement, unchanged base first): chr1-99884368-TG-T. GRCh37 (hg19) VCF-style: chr1-100349924-TG-T.
Other names: c.2465delG, p.Gly822Glufs (NM_000028.3, NM_000643.3, NM_000644.3 and 2 more transcripts); c.2417delG, p.Gly806Glufs (NM_000646.3); c.2264delG, p.Gly755Glufs (NM_001425327.1); c.2261delG, p.Gly754Glufs (NM_001425328.1, NM_001425329.1); c.2087delG, p.Gly696Glufs (NM_001425332.1); short protein forms G806fs, G822fs.
Identifiers: ClinVar variation 1726275 (VCV001726275.2), dbSNP rs2524674726, ClinGen allele CA2580063425.

ClinVar aggregate classification (germline): Likely pathogenic (1 of 4 stars; one submission).

Conditions:
Glycogen storage disease type III (GSD3). Also called: FORBES DISEASE; Cori disease. Identifiers: Orphanet 366, MedGen C0017922, MONDO:0009291, OMIM 232400.

Submission:

Myriad Genetics, Inc.
Classification: Likely pathogenic for Glycogen storage disease type III. Last evaluated: 2021-12-10. Review status: criteria provided, single submitter. Criteria: Myriad Women's Health Autosomal Recessive and X-Linked Classification Criteria (2021). Collection method: clinical testing. Allele origin: unknown.
Comment: NM_000642.2(AGL):c.2465delG(G822Efs*14) is expected to be pathogenic in the context of glycogen storage disease type III. This variant is predicted to lead to an abnormal or absent protein product due to the creation of a premature termination codon in AGL, a gene where loss-of-function variants are known to be pathogenic. Please note: this variant was assessed in the context of healthy population screening.